The following is an entry in ClinVar:

NM_003740.4(KCNK5):c.1393C>A (p.Pro465Thr)

Gene: KCNK5 (potassium two pore domain channel subfamily K member 5; minus strand). Cytogenetic location: 6p21.2.
Variant type: single nucleotide variant.
Coding change: c.1393C>A on transcript NM_003740.4 (MANE Select); coding-DNA position 1393, C replaced by A.
Protein change: p.Pro465Thr; replaces proline 465 with threonine.
Molecular consequence: missense variant.
Genome position (GRCh38, 1-based): chr6:39,190,997, G>T on the plus strand (C>A on the coding strand, the complement: KCNK5 is on the minus strand). VCF-style: chr6-39190997-G-T. GRCh37 (hg19) VCF-style: chr6-39158773-G-T.
Other names: short protein forms P465T.
Identifiers: ClinVar variation 1239991 (VCV001239991.3), dbSNP rs9462487, ClinGen allele CA3792645.

ClinVar aggregate classification (germline): Benign (1 of 4 stars; one submission).

Allele frequency attached by ClinVar (database versions not stated): gnomAD exomes 0.00437; ExAC 0.01183; gnomAD 0.01713 and 0.01839; 1000 Genomes Project 0.01817; ESP Exome Variant Server 0.01884; TOPMed 0.01906; 1000 Genomes Project 30x 0.01968.
gnomAD v4.1: 4,928 of 1,576,484 alleles (0.31%); highest among the groups gnomAD compares: African/African-American, 6%; 139 homozygotes.

Submission:

GeneDx
Classification: Benign. Last evaluated: 2020-10-29. Review status: criteria provided, single submitter. Criteria: GeneDx Variant Classification Process June 2021. Collection method: clinical testing. Allele origin: germline. Affected: yes.
Comment: This variant is associated with the following publications: (PMID: 26220970)